The following is an entry in ClinVar:

NM_152424.4(AMER1):c.829G>A (p.Glu277Lys)

Gene: AMER1 (APC membrane recruitment protein 1; minus strand). Cytogenetic location: Xq11.2.
Variant type: single nucleotide variant.
Coding change: c.829G>A on transcript NM_152424.4 (MANE Select); coding-DNA position 829, G replaced by A.
Protein change: p.Glu277Lys; replaces glutamic acid 277 with lysine.
Molecular consequence: missense variant.
Genome position (GRCh38, 1-based): chrX:64,192,458, C>T on the plus strand (G>A on the coding strand, the complement: AMER1 is on the minus strand). VCF-style: chrX-64192458-C-T. GRCh37 (hg19) VCF-style: chrX-63412338-C-T.
Other names: c.829G>A (NM_152424.3); short protein forms E277K.
Identifiers: ClinVar variation 2178885 (VCV002178885.5), dbSNP rs777543770, ClinGen allele CA10432422.

ClinVar aggregate classification (germline): Conflicting classifications of pathogenicity. Review status: criteria provided, conflicting classifications (1 of 4 stars). 2 submissions from 2 submitters: Uncertain significance (1); Likely benign (1). Last evaluated 2025-10-22.

Conditions:
Inborn genetic diseases. Identifiers: MedGen C0950123, MeSH D030342.

Allele frequency attached by ClinVar (database versions not stated): gnomAD exomes 0.00001; ExAC 0.00002; gnomAD 0.00002; TOPMed 0.00002.
gnomAD v4.1: 14 of 1,203,785 alleles (0.0012%); highest among the groups gnomAD compares: Admixed American, 0.02%; no homozygotes.

Submissions (2):

Ambry Genetics
Classification: Likely benign for Inborn genetic diseases. Last evaluated: 2025-10-22. Review status: criteria provided, single submitter. Criteria: Ambry Variant Classification Scheme 2023. Collection method: clinical testing. Allele origin: germline.

Labcorp Genetics (formerly Invitae), Labcorp
Classification: Uncertain significance. Last evaluated: 2025-05-11. Review status: criteria provided, single submitter. Criteria: Invitae Variant Classification Sherloc (09022015). Collection method: clinical testing. Allele origin: germline.
Comment: This sequence change replaces glutamic acid, which is acidic and polar, with lysine, which is basic and polar, at codon 277 of the AMER1 protein (p.Glu277Lys). This variant is present in population databases (rs777543770, gnomAD 0.02%). This variant has not been reported in the literature in individuals affected with AMER1-related conditions. ClinVar contains an entry for this variant (Variation ID: 2178885). An algorithm developed to predict the effect of missense changes on protein structure and function outputs the following: PolyPhen-2: "Benign". The lysine amino acid residue is found in multiple mammalian species, which suggests that this missense change does not adversely affect protein function. In summary, the available evidence is currently insufficient to determine the role of this variant in disease. Therefore, it has been classified as a Variant of Uncertain Significance.